The following is an entry in ClinVar:

ClinVar aggregate classification (germline): Conflicting classifications of pathogenicity. Review status: criteria provided, conflicting classifications (1 of 4 stars). 2 submissions from 2 submitters: Uncertain significance (1); Likely benign (1). Last evaluated 2025-10-29.

Allele frequency attached by ClinVar (database versions not stated): TOPMed 0.00003; gnomAD 0.00006; ExAC 0.00007; ESP Exome Variant Server 0.00009; gnomAD exomes 0.00009.

Submissions (2):

Ambry Genetics
Classification: Uncertain significance. Last evaluated: 2025-10-29. Review status: criteria provided, single submitter. Criteria: Ambry Variant Classification Scheme 2023. Collection method: clinical testing. Allele origin: germline.

CeGaT Center for Human Genetics Tuebingen
Classification: Likely benign. Last evaluated: 2023-01-01. Review status: criteria provided, single submitter. Criteria: CeGaT Center For Human Genetics Tuebingen Variant Classification Criteria Version 2. Collection method: clinical testing. Allele origin: germline. Affected: yes. Observed: 1 variant allele.
Comment: PDZD4: BP4, BS2

NM_001303512.2(PDZD4):c.280A>G (p.Met94Val)

Gene: PDZD4 (PDZ domain containing 4; minus strand). Cytogenetic location: Xq28.
Variant type: single nucleotide variant.
Coding change: c.280A>G on transcript NM_001303512.2 (MANE Select); coding-DNA position 280, A replaced by G.
Protein change: p.Met94Val; replaces methionine 94 with valine.
Molecular consequence: missense variant. On other transcripts: 5 prime UTR variant (1), intron variant (1).
Genome position (GRCh38, 1-based): chrX:153,808,376, T>C on the plus strand (A>G on the coding strand, the complement: PDZD4 is on the minus strand). VCF-style: chrX-153808376-T-C. GRCh37 (hg19) VCF-style: chrX-153073831-T-C.
Other names: c.280A>G (NM_032512.2); c.-270A>G (NM_001303513.3); c.37A>G, p.Met13Val (NM_001303515.2, NM_001303516.2); c.280A>G, p.Met94Val (NM_032512.5); c.61-1536A>G (NM_001303514.2); short protein forms M13V, M94V.
Identifiers: ClinVar variation 2661738 (VCV002661738.24), dbSNP rs149259791, ClinGen allele CA10553790.